The following is an entry in ClinVar:

ClinVar aggregate classification (germline): Uncertain significance (1 of 4 stars; one submission).

Submission:

GeneDx
Classification: Uncertain significance. Last evaluated: 2022-04-08. Review status: criteria provided, single submitter. Criteria: GeneDx Variant Classification Process June 2021. Collection method: clinical testing. Allele origin: germline. Affected: yes.
Comment: Not observed at significant frequency in large population cohorts (gnomAD); In silico analysis supports that this missense variant has a deleterious effect on protein structure/function; Has not been previously published as pathogenic or benign to our knowledge

NM_001130021.3(ATP6V0A1):c.2155C>T (p.His719Tyr)

Gene: ATP6V0A1 (ATPase H+ transporting V0 subunit a1; plus strand). Cytogenetic location: 17q21.2.
Variant type: single nucleotide variant.
Coding change: c.2155C>T on transcript NM_001130021.3 (MANE Select); coding-DNA position 2155, C replaced by T.
Protein change: p.His719Tyr; replaces histidine 719 with tyrosine.
Molecular consequence: missense variant.
Genome position (GRCh38, 1-based): chr17:42,513,885, C>T. VCF-style: chr17-42513885-C-T. GRCh37 (hg19) VCF-style: chr17-40665903-C-T.
Other names: c.2158C>T, p.His720Tyr (NM_001130020.3, NM_001378541.1); c.2176C>T, p.His726Tyr (NM_001378522.1, NM_001378539.1); c.2050C>T, p.His684Tyr (NM_001378523.1); c.2353C>T, p.His785Tyr (NM_001378530.1); c.2299C>T, p.His767Tyr (NM_001378531.1); c.2281C>T, p.His761Tyr (NM_001378532.1); c.2278C>T, p.His760Tyr (NM_001378533.1); c.2251C>T, p.His751Tyr (NM_001378534.1); and 15 more; short protein forms H637Y, H642Y, H643Y, H648Y, H649Y, H659Y, H660Y, H670Y.
Identifiers: ClinVar variation 1708632 (VCV001708632.2), dbSNP rs2510470005, ClinGen allele CA399584518.